The following is an entry in ClinVar:

NM_015662.3(IFT172):c.2169G>A (p.Glu723=)

Gene: IFT172 (intraflagellar transport 172; minus strand). Cytogenetic location: 2p23.3.
Variant type: single nucleotide variant.
Coding change: c.2169G>A on transcript NM_015662.3 (MANE Select); coding-DNA position 2169, G replaced by A.
Protein change: p.Glu723=; no amino-acid change (glutamic acid 723 retained).
Molecular consequence: synonymous variant.
Genome position (GRCh38, 1-based): chr2:27,461,783, C>T on the plus strand (G>A on the coding strand, the complement: IFT172 is on the minus strand). VCF-style: chr2-27461783-C-T. GRCh37 (hg19) VCF-style: chr2-27684650-C-T.
Other names: c.2169G>A (NM_015662.2); c.2103G>A, p.Glu701= (NM_001410739.1).
Identifiers: ClinVar variation 2943782 (VCV002943782.4), dbSNP rs879173114, ClinGen allele CA44498531.

ClinVar aggregate classification (germline): Likely benign. Review status: criteria provided, multiple submitters, no conflicts (2 of 4 stars). 2 submissions from 2 submitters: Likely benign (2). Last evaluated 2026-03-13.

Conditions:
IFT172-related disorder. Also called: IFT172-related condition; IFT172-related disorders.
Short-rib thoracic dysplasia 10 with or without polydactyly (SRTD10). Identifiers: Orphanet 474, MedGen C3810175, MONDO:0014284, OMIM 615630.
Retinitis pigmentosa 71 (RP71). Identifiers: Orphanet 791, MedGen C4225342, MONDO:0014618, OMIM 616394.

Submissions (2):

PreventionGenetics, part of Exact Sciences
Classification: Likely benign for IFT172-related condition. Last evaluated: 2026-03-13. Review status: criteria provided, single submitter. Criteria: ACMG Guidelines, 2015. Collection method: clinical testing. Allele origin: germline.
Comment: This variant is classified as likely benign based on ACMG/AMP sequence variant interpretation guidelines (Richards et al. 2015 PMID: 25741868, with internal and published modifications).

Labcorp Genetics (formerly Invitae), Labcorp
Classification: Likely benign for Retinitis pigmentosa 71; Short-rib thoracic dysplasia 10 with or without polydactyly. Last evaluated: 2023-02-08. Review status: criteria provided, single submitter. Criteria: Invitae Variant Classification Sherloc (09022015). Collection method: clinical testing. Allele origin: germline.